The following is an entry in ClinVar:

ClinVar aggregate classification (germline): Uncertain significance. Review status: criteria provided, multiple submitters, no conflicts (2 of 4 stars). 2 submissions from 2 submitters: Uncertain significance (2). Last evaluated 2024-09-24.

gnomAD v4.1: 3 of 1,613,116 alleles (0.00019%); highest among the groups gnomAD compares: South Asian, 0.0011%; no homozygotes.

Submissions (2):

Ambry Genetics
Classification: Uncertain significance. Last evaluated: 2024-09-24. Review status: criteria provided, single submitter. Criteria: Ambry Variant Classification Scheme 2023. Collection method: clinical testing. Allele origin: germline.

Labcorp Genetics (formerly Invitae), Labcorp
Classification: Uncertain significance. Last evaluated: 2023-05-26. Review status: criteria provided, single submitter. Criteria: Invitae Variant Classification Sherloc (09022015). Collection method: clinical testing. Allele origin: germline.
Comment: In summary, the available evidence is currently insufficient to determine the role of this variant in disease. Therefore, it has been classified as a Variant of Uncertain Significance. Algorithms developed to predict the effect of missense changes on protein structure and function output the following: SIFT: "Not Available"; PolyPhen-2: "Benign"; Align-GVGD: "Not Available". The asparagine amino acid residue is found in multiple mammalian species, which suggests that this missense change does not adversely affect protein function. This variant has not been reported in the literature in individuals affected with HMCN1-related conditions. This variant is not present in population databases (gnomAD no frequency). This sequence change replaces serine, which is neutral and polar, with asparagine, which is neutral and polar, at codon 1405 of the HMCN1 protein (p.Ser1405Asn).

NM_031935.3(HMCN1):c.4214G>A (p.Ser1405Asn)

Gene: HMCN1 (hemicentin 1; plus strand). Cytogenetic location: 1q31.1.
Variant type: single nucleotide variant.
Coding change: c.4214G>A on transcript NM_031935.3 (MANE Select); coding-DNA position 4214, G replaced by A.
Protein change: p.Ser1405Asn; replaces serine 1405 with asparagine.
Molecular consequence: missense variant.
Genome position (GRCh38, 1-based): chr1:186,001,607, G>A. VCF-style: chr1-186001607-G-A. GRCh37 (hg19) VCF-style: chr1-185970739-G-A.
Other names: c.4214G>A (NM_031935.2); short protein forms S1405N.
Identifiers: ClinVar variation 3005249 (VCV003005249.4), dbSNP rs2527452742, ClinGen allele CA343877268.
Genomic context (GRCh38, chr1:186,001,607, plus strand): 5'-ATTTTTATTAGGATTGGAAATAACACTGACCATTTTGGCCCTTAAAGGTGACTGAAAGCA[G>A]CACTATTCAGACTGTGAACAATGGGAAGATACTGAAGCTCTTCAGAGCCACTCCAGAGGA-3'
Protein context (NP_114141.2, residues 1395-1415): YKDNVQVTES[Ser1405Asn]TIQTVNNGKI